The following is an entry in ClinVar:

ClinVar aggregate classification (germline): Uncertain significance. Review status: criteria provided, multiple submitters, no conflicts (2 of 4 stars). 2 submissions from 2 submitters: Uncertain significance (2). Last evaluated 2025-02-10.

Conditions:
Epidermodysplasia verruciformis. Identifiers: Orphanet 302, MedGen C0014522, MONDO:0009176.
Inborn genetic diseases. Identifiers: MedGen C0950123, MeSH D030342.

Allele frequency attached by ClinVar (database versions not stated): gnomAD exomes 0.00005; gnomAD 0.00006.

Submissions (2):

Labcorp Genetics (formerly Invitae), Labcorp
Classification: Uncertain significance for Epidermodysplasia verruciformis. Last evaluated: 2025-02-10. Review status: criteria provided, single submitter. Criteria: Invitae Variant Classification Sherloc (09022015). Collection method: clinical testing. Allele origin: germline.
Comment: This sequence change replaces alanine, which is neutral and non-polar, with valine, which is neutral and non-polar, at codon 188 of the TMC8 protein (p.Ala188Val). This variant is present in population databases (rs748557129, gnomAD 0.01%). This variant has not been reported in the literature in individuals affected with TMC8-related conditions. ClinVar contains an entry for this variant (Variation ID: 1059597). Invitae Evidence Modeling of protein sequence and biophysical properties (such as structural, functional, and spatial information, amino acid conservation, physicochemical variation, residue mobility, and thermodynamic stability) indicates that this missense variant is not expected to disrupt TMC8 protein function with a negative predictive value of 80%. In summary, the available evidence is currently insufficient to determine the role of this variant in disease. Therefore, it has been classified as a Variant of Uncertain Significance.

Ambry Genetics
Classification: Uncertain significance for Inborn genetic diseases. Last evaluated: 2024-08-28. Review status: criteria provided, single submitter. Criteria: Ambry Variant Classification Scheme 2023. Collection method: clinical testing. Allele origin: germline.

NM_152468.5(TMC8):c.563C>T (p.Ala188Val)

Gene: TMC8 (transmembrane channel like 8; plus strand). Cytogenetic location: 17q25.3.
Variant type: single nucleotide variant.
Coding change: c.563C>T on transcript NM_152468.5 (MANE Select); coding-DNA position 563, C replaced by T.
Protein change: p.Ala188Val; replaces alanine 188 with valine.
Molecular consequence: missense variant.
Genome position (GRCh38, 1-based): chr17:78,133,437, C>T. VCF-style: chr17-78133437-C-T. GRCh37 (hg19) VCF-style: chr17-76129518-C-T.
Other names: c.563C>T (NM_152468.4); short protein forms A188V.
Identifiers: ClinVar variation 1059597 (VCV001059597.7), dbSNP rs748557129, ClinGen allele CA8796511.